The following is an entry in ClinVar:

NM_002528.7(NTHL1):c.146G>A (p.Arg49His)

Gene: NTHL1 (nth like DNA glycosylase 1; minus strand). Cytogenetic location: 16p13.3.
Variant type: single nucleotide variant.
Coding change: c.146G>A on transcript NM_002528.7 (MANE Select); coding-DNA position 146, G replaced by A.
Protein change: p.Arg49His; replaces arginine 49 with histidine.
Molecular consequence: missense variant. On other transcripts: 5 prime UTR variant (1).
Genome position (GRCh38, 1-based): chr16:2,046,336, C>T on the plus strand (G>A on the coding strand, the complement: NTHL1 is on the minus strand). VCF-style: chr16-2046336-C-T. GRCh37 (hg19) VCF-style: chr16-2096337-C-T.
Other names: c.146G>A, p.Arg49His (NM_001318193.2, LRG_1366t1); c.-33G>A (NM_001318194.2); short protein forms R49H.
Identifiers: ClinVar variation 650966 (VCV000650966.13), dbSNP rs566254536, ClinGen allele CA276765708.

ClinVar aggregate classification (germline): Conflicting classifications of pathogenicity. Review status: criteria provided, conflicting classifications (1 of 4 stars). 4 submissions from 4 submitters: Uncertain significance (3); Likely benign (1). Last evaluated 2025-12-14.

Conditions:
Hereditary cancer-predisposing syndrome. Also called: Neoplastic Syndromes, Hereditary; Tumor predisposition; Hereditary Cancer Syndrome; Hereditary neoplastic syndrome. Identifiers: Orphanet 140162, MedGen C0027672, MeSH D009386, MONDO:0015356.

Allele frequency attached by ClinVar (database versions not stated): gnomAD 0.00001 and 0.00003; gnomAD exomes 0.00001; TOPMed 0.00001.
gnomAD v4.1: 25 of 1,610,270 alleles (0.0016%); highest among the groups gnomAD compares: Middle Eastern, 0.033%; no homozygotes.

Submissions (4):

Labcorp Genetics (formerly Invitae), Labcorp
Classification: Uncertain significance. Last evaluated: 2025-12-14. Review status: criteria provided, single submitter. Criteria: Invitae Variant Classification Sherloc (09022015). Collection method: clinical testing. Allele origin: germline.
Comment: This sequence change replaces arginine, which is basic and polar, with histidine, which is basic and polar, at codon 57 of the NTHL1 protein (p.Arg57His). This variant is present in population databases (rs566254536, gnomAD 0.004%). This variant has not been reported in the literature in individuals affected with NTHL1-related conditions. ClinVar contains an entry for this variant (Variation ID: 650966). An algorithm developed to predict the effect of missense changes on protein structure and function outputs the following: PolyPhen-2: "Benign". The histidine amino acid residue is found in multiple mammalian species, which suggests that this missense change does not adversely affect protein function. In summary, the available evidence is currently insufficient to determine the role of this variant in disease. Therefore, it has been classified as a Variant of Uncertain Significance.

GeneDx
Classification: Uncertain significance. Last evaluated: 2025-01-31. Review status: criteria provided, single submitter. Criteria: GeneDx Variant Classification Process June 2021. Collection method: clinical testing. Allele origin: germline. Affected: yes.
Comment: Not observed at significant frequency in large population cohorts (gnomAD); In silico analysis indicates that this missense variant does not alter protein structure/function; Has not been previously published as pathogenic or benign to our knowledge; This variant is associated with the following publications: (PMID: 8990169, 9045706, 9705289)

Sema4
Classification: Uncertain significance for Hereditary cancer-predisposing syndrome. Last evaluated: 2022-01-16. Review status: criteria provided, single submitter. Criteria: Sema4 Curation Guidelines. Collection method: curation. Allele origin: germline.
Comment: The NTHL1 c.170G>A (p.R57H) variant has not been reported in the literature to our knowledge. It was observed in 4/281326 chromosomes across all populations, with no homozygotes, in the large and broad cohorts of the Genome Aggregation Database (PMID: 32461654). This variant has been reported in ClinVar (Variation ID 650966). In silico tools suggest the impact of the variant on protein function is benign, though these predictions have not been confirmed by functional studies. The evidence is insufficient to meet ACMG/AMP criteria for classifying the variant as benign or pathogenic. Thus, the clinical significance of this variant is currently uncertain.

Ambry Genetics
Classification: Likely benign for Hereditary cancer-predisposing syndrome. Last evaluated: 2020-09-09. Review status: criteria provided, single submitter. Criteria: Ambry Variant Classification Scheme 2023. Collection method: clinical testing. Allele origin: germline.